The following is an entry in ClinVar:

ClinVar aggregate classification (germline): Likely pathogenic (1 of 4 stars; one submission).

Conditions:
Renpenning syndrome. Also called: GOLABI-ITO-HALL SYNDROME; Mental retardation, X-linked Renpenning type; X-linked mental retardation with spastic diplegia; X-linked mental retardation syndromic 3; Sutherland-Haan syndrome; SUTHERLAND-HAAN X-LINKED MENTAL RETARDATION SYNDROME. Identifiers: Orphanet 3242, MedGen C0796135, MONDO:0010653, OMIM 309500.

Submission:

Baylor Genetics
Classification: Likely pathogenic for Renpenning syndrome. Last evaluated: 2020-05-12. Review status: criteria provided, single submitter. Criteria: ACMG Guidelines, 2015. Collection method: clinical testing. Allele origin: maternal. Affected: yes.
Comment: This variant was determined to be likely pathogenic according to ACMG Guidelines, 2015 [PMID:25741868].

NM_001032382.2(PQBP1):c.32T>C (p.Leu11Ser)

Genes: PQBP1 (polyglutamine binding protein 1; plus strand), LOC130068256 (ATAC-STARR-seq lymphoblastoid active region 29617; plus strand). Cytogenetic location: Xp11.23.
Variant type: single nucleotide variant.
Coding change: c.32T>C on transcript NM_001032382.2 (MANE Select); coding-DNA position 32, T replaced by C.
Protein change: p.Leu11Ser; replaces leucine 11 with serine.
Molecular consequence: missense variant.
Genome position (GRCh38, 1-based): chrX:48,898,541, T>C. VCF-style: chrX-48898541-T-C. GRCh37 (hg19) VCF-style: chrX-48755824-T-C.
Other names: c.32T>C, p.Leu11Ser (NM_001032381.2, NM_001032383.2, NM_001032384.1 and 5 more transcripts); short protein forms L11S.
Identifiers: ClinVar variation 1030959 (VCV001030959.1), dbSNP rs2063344708, ClinGen allele CA412886384.